The following is an entry in ClinVar:

NM_000093.5(COL5A1):c.1287G>T (p.Glu429Asp)

Gene: COL5A1 (collagen type V alpha 1 chain; plus strand). Cytogenetic location: 9q34.3.
Variant type: single nucleotide variant.
Coding change: c.1287G>T on transcript NM_000093.5 (MANE Select); coding-DNA position 1287, G replaced by T.
Protein change: p.Glu429Asp; replaces glutamic acid 429 with aspartic acid.
Molecular consequence: missense variant.
Genome position (GRCh38, 1-based): chr9:134,731,618, G>T. VCF-style: chr9-134731618-G-T. GRCh37 (hg19) VCF-style: chr9-137623464-G-T.
Other names: c.1287G>T, p.Glu429Asp (NM_001278074.1); short protein forms E429D.
Identifiers: ClinVar variation 1384611 (VCV001384611.6), dbSNP rs2132642256, ClinGen allele CA375451118.
Genomic context (GRCh38, chr9:134,731,618, plus strand): 5'-CCGGAACCTTGACGAGAACTACTACGACCCCTACTACGACCCCACCAGCTCCCCGTCGGA[G>T]ATCGGGCCGGGAATGCCGGCGAACCAGGATACCATCTATGAAGGGGTGAGAGGGTGCAGG-3'
Protein context (NP_000084.3, residues 419-439): PYYDPTSSPS[Glu429Asp]IGPGMPANQD

ClinVar aggregate classification (germline): Uncertain significance (1 of 4 stars; one submission).

Conditions:
Ehlers-Danlos syndrome, classic type, 1 (EDSCL1). Also called: EHLERS-DANLOS SYNDROME, GRAVIS TYPE; EHLERS-DANLOS SYNDROME, SEVERE CLASSIC TYPE; Ehlers-Danlos syndrome, type 1; Ehlers-Danlos Syndrome, Classic Type, COL5A1-Related; EDS I. Identifiers: MedGen C0268335, MONDO:0019567, OMIM 130000.

Submission:

Labcorp Genetics (formerly Invitae), Labcorp
Classification: Uncertain significance for Ehlers-Danlos syndrome, classic type, 1. Last evaluated: 2025-09-02. Review status: criteria provided, single submitter. Criteria: Invitae Variant Classification Sherloc (09022015). Collection method: clinical testing. Allele origin: germline.
Comment: This sequence change replaces glutamic acid, which is acidic and polar, with aspartic acid, which is acidic and polar, at codon 429 of the COL5A1 protein (p.Glu429Asp). This variant is not present in population databases (gnomAD no frequency). This variant has not been reported in the literature in individuals affected with COL5A1-related conditions. ClinVar contains an entry for this variant (Variation ID: 1384611). Invitae Evidence Modeling of protein sequence and biophysical properties (such as structural, functional, and spatial information, amino acid conservation, physicochemical variation, residue mobility, and thermodynamic stability) indicates that this missense variant is not expected to disrupt COL5A1 protein function with a negative predictive value of 95%. In summary, the available evidence is currently insufficient to determine the role of this variant in disease. Therefore, it has been classified as a Variant of Uncertain Significance.